The following is an entry in ClinVar:

ClinVar aggregate classification (germline): Uncertain significance (1 of 4 stars; one submission).

gnomAD v4.1: 6 of 1,614,012 alleles (0.00037%); highest among the groups gnomAD compares: African/African-American, 0.0067%; no homozygotes.

Submission:

Labcorp Genetics (formerly Invitae), Labcorp
Classification: Uncertain significance. Last evaluated: 2025-08-11. Review status: criteria provided, single submitter. Criteria: Invitae Variant Classification Sherloc (09022015). Collection method: clinical testing. Allele origin: germline.
Comment: This sequence change replaces glutamine, which is neutral and polar, with histidine, which is basic and polar, at codon 352 of the TRPM6 protein (p.Gln352His). This variant is not present in population databases (gnomAD no frequency). This variant has not been reported in the literature in individuals affected with TRPM6-related conditions. Invitae Evidence Modeling of protein sequence and biophysical properties (such as structural, functional, and spatial information, amino acid conservation, physicochemical variation, residue mobility, and thermodynamic stability) indicates that this missense variant is not expected to disrupt TRPM6 protein function with a negative predictive value of 80%. In summary, the available evidence is currently insufficient to determine the role of this variant in disease. Therefore, it has been classified as a Variant of Uncertain Significance.

NM_017662.5(TRPM6):c.1056G>C (p.Gln352His)

Gene: TRPM6 (transient receptor potential cation channel subfamily M member 6; minus strand). Cytogenetic location: 9q21.13.
Variant type: single nucleotide variant.
Coding change: c.1056G>C on transcript NM_017662.5 (MANE Select); coding-DNA position 1056, G replaced by C.
Protein change: p.Gln352His; replaces glutamine 352 with histidine.
Molecular consequence: missense variant.
Genome position (GRCh38, 1-based): chr9:74,820,382, C>G on the plus strand (G>C on the coding strand, the complement: TRPM6 is on the minus strand). VCF-style: chr9-74820382-C-G. GRCh37 (hg19) VCF-style: chr9-77435298-C-G.
Other names: c.1041G>C, p.Gln347His (NM_001177310.2, NM_001177311.2); short protein forms Q352H, Q347H.
Identifiers: ClinVar variation 4749075 (VCV004749075.1).